The following is an entry in ClinVar:

NM_001134831.2(AHI1):c.1997A>T (p.Asp666Val)

Gene: AHI1 (Abelson helper integration site 1; minus strand). Cytogenetic location: 6q23.3.
Variant type: single nucleotide variant.
Coding change: c.1997A>T on transcript NM_001134831.2 (MANE Select); coding-DNA position 1997, A replaced by T.
Protein change: p.Asp666Val; replaces aspartic acid 666 with valine.
Molecular consequence: missense variant.
Genome position (GRCh38, 1-based): chr6:135,438,414, T>A on the plus strand (A>T on the coding strand, the complement: AHI1 is on the minus strand). VCF-style: chr6-135438414-T-A. GRCh37 (hg19) VCF-style: chr6-135759552-T-A.
Other names: c.1997A>T, p.Asp666Val (NM_001134830.2, NM_001134832.2, NM_001350503.2 and 2 more transcripts); short protein forms D666V.
Identifiers: ClinVar variation 217548 (VCV000217548.13), dbSNP rs863225147, ClinGen allele CA279428.

ClinVar aggregate classification (germline): Conflicting classifications of pathogenicity. Review status: criteria provided, conflicting classifications (1 of 4 stars). 5 submissions from 5 submitters: Pathogenic (2); Likely pathogenic (2); Uncertain significance (1). Last evaluated 2025-02-05.

Conditions:
AHI1-related disorder. Also called: AHI1-related condition.
Joubert syndrome 3 (JBTS3). Also called: AHI1-related Ciliopathy. Identifiers: Orphanet 220493, MedGen C1837713, MONDO:0012078, OMIM 608629.
Joubert syndrome. Also called: Familial aplasia of the vermis; JOUBERT-BOLTSHAUSER SYNDROME. Identifiers: Orphanet 475, MedGen C5979921, MONDO:0018772.

Allele frequency attached by ClinVar (database versions not stated): TOPMed 0.00002; gnomAD 0.00003 and 0.00004; gnomAD exomes below 0.00001 and 0.00001.
gnomAD v4.1: 8 of 1,574,294 alleles (0.00051%); highest among the groups gnomAD compares: African/African-American, 0.0013%; no homozygotes.

Submissions (5):

PreventionGenetics, part of Exact Sciences
Classification: Likely pathogenic for AHI1-related condition. Last evaluated: 2025-02-05. Review status: criteria provided, single submitter. Criteria: ACMG Guidelines, 2015. Collection method: clinical testing. Allele origin: germline.
Comment: The AHI1 c.1997A>T variant is predicted to result in the amino acid substitution p.Asp666Val. This variant has been reported in an individual with Joubert syndrome (Table S5, Bachmann-Gagescu et al. 2015. PubMed ID: 26092869). An alternate nucleotide change impacting the same amino acid position (p.Asp666His) has been reported in individuals with Joubert syndrome (Table S7, Perea-Romero et al. 2021. PubMed ID: 34448047). This variant is reported in 0.0031% of alleles in individuals of European (Non-Finnish) descent in gnomAD. This variant is interpreted as likely pathogenic.

Labcorp Genetics (formerly Invitae), Labcorp
Classification: Pathogenic for Joubert syndrome. Last evaluated: 2024-06-30. Review status: criteria provided, single submitter. Criteria: Invitae Variant Classification Sherloc (09022015). Collection method: clinical testing. Allele origin: germline.
Comment: This sequence change replaces aspartic acid, which is acidic and polar, with valine, which is neutral and non-polar, at codon 666 of the AHI1 protein (p.Asp666Val). This variant is present in population databases (no rsID available, gnomAD 0.003%). This missense change has been observed in individual(s) with clinical features of Joubert syndrome (PMID: 26092869; Invitae). In at least one individual the data is consistent with being in trans (on the opposite chromosome) from a pathogenic variant. ClinVar contains an entry for this variant (Variation ID: 217548). Advanced modeling of protein sequence and biophysical properties (such as structural, functional, and spatial information, amino acid conservation, physicochemical variation, residue mobility, and thermodynamic stability) has been performed at Invitae for this missense variant, however the output from this modeling did not meet the statistical confidence thresholds required to predict the impact of this variant on AHI1 protein function. For these reasons, this variant has been classified as Pathogenic.

Blueprint Genetics
Classification: Uncertain significance. Last evaluated: 2019-10-28. Review status: criteria provided, single submitter. Criteria: ACMG Guidelines, 2015. Collection method: clinical testing. Allele origin: germline.

GeneDx
Classification: Likely pathogenic. Last evaluated: 2015-12-03. Review status: criteria provided, single submitter. Criteria: GeneDx Variant Classification (06012015). Collection method: clinical testing. Allele origin: germline. Affected: yes.
Comment: p.Asp666Val (D666V) (GAT>GTT): c.1997 A>T in exon 14 of the AHI1 gene (NM_017651.4) The D666V variant has not been published as a pathogenic variant, nor has it been reported as a benign variant to our knowledge. It was not observed in approximately 6,000 individuals of European and African American ancestry in the NHLBI Exome Sequencing Project, indicating it is not a common benign variant in these population. The D666V variant is a non-conservative amino acid substitution, which is likely to impact secondary protein structure as these residues differ in polarity, charge, size and/or other properties. This substitution occurs at a position that is conserved in mammals, and in silico analysis predicts this variant is probably damaging to the protein structure/function.

UW Hindbrain Malformation Research Program, University of Washington
Classification: Pathogenic for Joubert syndrome 3. Last evaluated: 2015-02-23. Review status: criteria provided, single submitter. Criteria: Bachmann-Gagescu et al. (J Med Genet. 2015). Collection method: research. Allele origin: unknown. Affected: yes.

Literature cited by the submitters: PubMed 26092869 (cited by Labcorp Genetics (formerly Invitae), Labcorp).